The following is an entry in ClinVar:

NM_002875.5(RAD51):c.225+600_225+601del

Gene: RAD51 (RAD51 recombinase; plus strand). Cytogenetic location: 15q15.1.
Variant type: Deletion.
Coding change: c.225+600_225+601del on transcript NM_002875.5 (MANE Select); bases 600 to 601 of the intron after coding-DNA position 225, 2 bases deleted (TT; older notation c.225+600_225+601delTT).
Molecular consequence: intron variant.
Genome position (GRCh38, 1-based): chr15:40,701,801-40,701,802, TT deleted; deleting any 2 consecutive bases within chr15:40,701,777-40,701,802 gives the same sequence; the c. name uses the placement nearest the transcript's 3' end. VCF-style (leftmost placement, unchanged base first): chr15-40701776-ATT-A. GRCh37 (hg19) VCF-style: chr15-40993974-ATT-A.
Other names: c.226-5_226-4del (NM_133487.4, NM_001164269.2); c.225+600_225+601del (NM_001164270.2); c.226-5_226-4delTT (NM_001164269.1).
Identifiers: ClinVar variation 1197702 (VCV001197702.4), dbSNP rs35383252, ClinGen allele CA268839232.

ClinVar aggregate classification (germline): Likely benign. Review status: criteria provided, single submitter (1 of 4 stars). 2 submissions from 2 submitters: Likely benign (1). 1 of the submissions does not count toward it. Last evaluated 2019-08-13.

Conditions:
RAD51-related disorder. Also called: RAD51-related disorders; RAD51-related condition.

Submissions (2):

GeneDx
Classification: Likely benign. Last evaluated: 2019-08-13. Review status: criteria provided, single submitter. Criteria: GeneDx Variant Classification Process June 2021. Collection method: clinical testing. Allele origin: germline. Affected: yes.

PreventionGenetics, part of Exact Sciences
Classification: Likely benign for RAD51-related condition. Last evaluated: 2023-02-09. Review status: no assertion criteria provided. Collection method: clinical testing. Allele origin: germline. Not counted in ClinVar's aggregate classification.
Comment: This variant is classified as likely benign based on ACMG/AMP sequence variant interpretation guidelines (Richards et al. 2015 PMID: 25741868, with internal and published modifications).